The following is an entry in ClinVar:

ClinVar aggregate classification (germline): Pathogenic (1 of 4 stars; one submission).

Conditions:
Intellectual developmental disorder, autosomal dominant 1. Also called: Intellectual disability, autosomal dominant 1; MBD5 Haploinsufficiency. Identifiers: Orphanet 228402, MedGen C1969562, MONDO:0007974, OMIM 156200.

Submission:

Labcorp Genetics (formerly Invitae), Labcorp
Classification: Pathogenic for Intellectual developmental disorder, autosomal dominant 1. Last evaluated: 2021-11-05. Review status: criteria provided, single submitter. Criteria: Invitae Variant Classification Sherloc (09022015). Collection method: clinical testing. Allele origin: germline.
Comment: This sequence change creates a premature translational stop signal (p.Ser550Leufs*2) in the MBD5 gene. It is expected to result in an absent or disrupted protein product. Loss-of-function variants in MBD5 are known to be pathogenic (PMID: 23422940, 23587880). This variant is not present in population databases (gnomAD no frequency). This variant has not been reported in the literature in individuals affected with MBD5-related conditions. For these reasons, this variant has been classified as Pathogenic.

Literature cited by the submitters: PubMed 23422940; PubMed 23587880.

NM_001378120.1(MBD5):c.1648del (p.Ser550fs)

Gene: MBD5 (methyl-CpG binding domain protein 5; plus strand). Cytogenetic location: 2q23.1.
Variant type: Deletion.
Coding change: c.1648del on transcript NM_001378120.1 (MANE Select); coding-DNA position 1648, one base deleted (T; older notation c.1648delT).
Protein change: p.Ser550fs; shifts the reading frame from serine 550.
Molecular consequence: frameshift variant.
Genome position (GRCh38, 1-based): chr2:148,469,591, T deleted; the last of 2 consecutive T bases (chr2:148,469,590-148,469,591); deleting either gives the same sequence. VCF-style (leftmost placement, unchanged base first): chr2-148469589-GT-G. GRCh37 (hg19) VCF-style: chr2-149227158-GT-G.
Other names: c.1648del, p.Ser550fs (NM_018328.5); short protein forms S550fs.
Identifiers: ClinVar variation 1439480 (VCV001439480.6), dbSNP rs2105635449, ClinGen allele CA2573133300.
Genomic context (GRCh38, chr2:148,469,589, plus strand): 5'-TAAGTAATGTACTAAATACCCCAAGCAGTGCAGCTTTTCCTACTGCATCTGCCGGAAGTA[GT>G]TCTGTAAAGAGTCAGCCTGGTTTGCTGGGAATGCCTTTAAATCAGATCTTGAACCAGCAC-3'